The following is an entry in ClinVar:

ClinVar aggregate classification (germline): Uncertain significance (1 of 4 stars; one submission).

Conditions:
Early Myoclonic Encephalopathy. Identifiers: MedGen C0270855.

Allele frequency attached by ClinVar (database versions not stated): gnomAD exomes below 0.00001.
gnomAD v4.1: 2 of 1,614,130 alleles (0.00012%); highest among the groups gnomAD compares: Non-Finnish European, 0.000085%; no homozygotes.

Submission:

Labcorp Genetics (formerly Invitae), Labcorp
Classification: Uncertain significance for Early Myoclonic Encephalopathy. Last evaluated: 2022-03-19. Review status: criteria provided, single submitter. Criteria: Invitae Variant Classification Sherloc (09022015). Collection method: clinical testing. Allele origin: germline.
Comment: Algorithms developed to predict the effect of missense changes on protein structure and function are either unavailable or do not agree on the potential impact of this missense change (SIFT: "Deleterious"; PolyPhen-2: "Benign"; Align-GVGD: "Class C0"). This sequence change replaces glutamine, which is neutral and polar, with arginine, which is basic and polar, at codon 523 of the JMJD1C protein (p.Gln523Arg). This variant is present in population databases (no rsID available, gnomAD 0.004%). This variant has not been reported in the literature in individuals affected with JMJD1C-related conditions. ClinVar contains an entry for this variant (Variation ID: 962952). In summary, the available evidence is currently insufficient to determine the role of this variant in disease. Therefore, it has been classified as a Variant of Uncertain Significance.

NM_032776.3(JMJD1C):c.1568A>G (p.Gln523Arg)

Gene: JMJD1C (jumonji domain containing 1C; minus strand). Cytogenetic location: 10q21.3.
Variant type: single nucleotide variant.
Coding change: c.1568A>G on transcript NM_032776.3 (MANE Select); coding-DNA position 1568, A replaced by G.
Protein change: p.Gln523Arg; replaces glutamine 523 with arginine.
Molecular consequence: missense variant. On other transcripts: non-coding transcript variant (1).
Genome position (GRCh38, 1-based): chr10:63,214,599, T>C on the plus strand (A>G on the coding strand, the complement: JMJD1C is on the minus strand). VCF-style: chr10-63214599-T-C. GRCh37 (hg19) VCF-style: chr10-64974359-T-C.
Other names: c.1022A>G, p.Gln341Arg (NM_001282948.2, NM_001318154.2); c.704A>G, p.Gln235Arg (NM_001318153.2); c.1454A>G, p.Gln485Arg (NM_001322252.2); c.911A>G, p.Gln304Arg (NM_001322254.2, NM_001322258.2); short protein forms Q235R, Q304R, Q341R, Q485R, Q523R.
Identifiers: ClinVar variation 962952 (VCV000962952.10), dbSNP rs1479553153, ClinGen allele CA377048688.
Genomic context (GRCh38, chr10:63,214,599, plus strand): 5'-TCACTAACATTAGGATCCATTTTCTGAAGTGTCTGAAGGCCAAAGGTACTTGAGTTTTCC[T>C]GAGCCACCTTTTCTAAATTAGTGTCATTTGTAATATCAATAACACATTTTGGTGTGGGTG-3'
Protein context (NP_116165.1, residues 513-533): TNDTNLEKVA[Gln523Arg]ENSSTFGLQT